The following is an entry in ClinVar:

ClinVar aggregate classification (germline): Uncertain significance (1 of 4 stars; one submission).

Allele frequency attached by ClinVar (database versions not stated): gnomAD 0.00002; gnomAD exomes 0.00006; TOPMed 0.00003; ExAC 0.00006.
gnomAD v4.1: 39 of 1,608,248 alleles (0.0024%); highest among the groups gnomAD compares: East Asian, 0.031%; no homozygotes.

Submission:

Labcorp Genetics (formerly Invitae), Labcorp
Classification: Uncertain significance. Last evaluated: 2022-06-25. Review status: criteria provided, single submitter. Criteria: Invitae Variant Classification Sherloc (09022015). Collection method: clinical testing. Allele origin: germline.
Comment: This sequence change replaces alanine, which is neutral and non-polar, with valine, which is neutral and non-polar, at codon 992 of the SPEG protein (p.Ala992Val). This variant is present in population databases (rs766108579, gnomAD 0.05%). This variant has not been reported in the literature in individuals affected with SPEG-related conditions. Algorithms developed to predict the effect of missense changes on protein structure and function are either unavailable or do not agree on the potential impact of this missense change (SIFT: "Deleterious"; PolyPhen-2: "Benign"; Align-GVGD: "Class C0"). Algorithms developed to predict the effect of sequence changes on RNA splicing suggest that this variant may create or strengthen a splice site. In summary, the available evidence is currently insufficient to determine the role of this variant in disease. Therefore, it has been classified as a Variant of Uncertain Significance.

NM_005876.5(SPEG):c.2975C>T (p.Ala992Val)

Gene: SPEG (striated muscle enriched protein kinase; plus strand). Cytogenetic location: 2q35.
Variant type: single nucleotide variant.
Coding change: c.2975C>T on transcript NM_005876.5 (MANE Select); coding-DNA position 2975, C replaced by T.
Protein change: p.Ala992Val; replaces alanine 992 with valine.
Molecular consequence: missense variant.
Genome position (GRCh38, 1-based): chr2:219,467,267, C>T. VCF-style: chr2-219467267-C-T. GRCh37 (hg19) VCF-style: chr2-220331989-C-T.
Other names: short protein forms A992V.
Identifiers: ClinVar variation 1415298 (VCV001415298.3), dbSNP rs766108579, ClinGen allele CA2126040.